The following is an entry in ClinVar:

NM_152672.6(SLC51A):c.257G>A (p.Arg86Gln)

Gene: SLC51A (solute carrier family 51 member A; plus strand). Cytogenetic location: 3q29.
Variant type: single nucleotide variant.
Coding change: c.257G>A on transcript NM_152672.6 (MANE Select); coding-DNA position 257, G replaced by A.
Protein change: p.Arg86Gln; replaces arginine 86 with glutamine.
Molecular consequence: missense variant.
Genome position (GRCh38, 1-based): chr3:196,227,088, G>A. VCF-style: chr3-196227088-G-A. GRCh37 (hg19) VCF-style: chr3-195953959-G-A.
Other names: short protein forms R86Q.
Identifiers: ClinVar variation 4980909 (VCV004980909.1).

ClinVar aggregate classification (germline): Uncertain significance (1 of 4 stars; one submission).

Conditions:
SLC51A-related disorder. Also called: SLC51A-related condition.

gnomAD v4.1: 41 of 1,613,984 alleles (0.0025%); highest among the groups gnomAD compares: Non-Finnish European, 0.0031%; no homozygotes.

Submission:

PreventionGenetics, part of Exact Sciences
Classification: Uncertain significance for SLC51A-related condition. Last evaluated: 2025-12-15. Review status: criteria provided, single submitter. Criteria: ACMG Guidelines, 2015. Collection method: clinical testing. Allele origin: germline.
Comment: The SLC51A c.257G>A variant is predicted to result in the amino acid substitution p.Arg86Gln. To our knowledge, this variant has not been reported in the literature. This variant is reported in 0.0018% of alleles in individuals of European (Non-Finnish) descent in gnomAD. At this time, the clinical significance of this variant is uncertain due to the absence of conclusive functional and genetic evidence.